The following is an entry in ClinVar:

ClinVar aggregate classification (germline): Uncertain significance. Review status: criteria provided, multiple submitters, no conflicts (2 of 4 stars). 3 submissions from 3 submitters: Uncertain significance (3). Last evaluated 2025-07-03.

Conditions:
Inborn genetic diseases. Identifiers: MedGen C0950123, MeSH D030342.
Charcot-Marie-Tooth disease type 4. Also called: Charcot-Marie-Tooth disease, type IV; Charcot-Marie-Tooth, Type 4. Identifiers: Orphanet 64749, MedGen C4082197, MONDO:0018995.

Allele frequency attached by ClinVar (database versions not stated): gnomAD exomes below 0.00001; ExAC 0.00001; gnomAD 0.00001; TOPMed 0.00001.
gnomAD v4.1: 3 of 1,613,654 alleles (0.00019%); highest among the groups gnomAD compares: Admixed American, 0.0033%; no homozygotes.

Submissions (3):

Labcorp Genetics (formerly Invitae), Labcorp
Classification: Uncertain significance for Charcot-Marie-Tooth disease type 4. Last evaluated: 2025-07-03. Review status: criteria provided, single submitter. Criteria: Invitae Variant Classification Sherloc (09022015). Collection method: clinical testing. Allele origin: germline.
Comment: This sequence change replaces alanine, which is neutral and non-polar, with threonine, which is neutral and polar, at codon 983 of the SBF2 protein (p.Ala983Thr). This variant is present in population databases (rs768593018, gnomAD 0.006%). This variant has not been reported in the literature in individuals affected with SBF2-related conditions. ClinVar contains an entry for this variant (Variation ID: 2684336). Invitae Evidence Modeling of protein sequence and biophysical properties (such as structural, functional, and spatial information, amino acid conservation, physicochemical variation, residue mobility, and thermodynamic stability) indicates that this missense variant is expected to disrupt SBF2 protein function with a positive predictive value of 80%. In summary, the available evidence is currently insufficient to determine the role of this variant in disease. Therefore, it has been classified as a Variant of Uncertain Significance.

Ambry Genetics
Classification: Uncertain significance for Inborn genetic diseases. Last evaluated: 2024-06-28. Review status: criteria provided, single submitter. Criteria: Ambry Variant Classification Scheme 2023. Collection method: clinical testing. Allele origin: germline.

Athena Diagnostics
Classification: Uncertain significance. Last evaluated: 2023-03-02. Review status: criteria provided, single submitter. Criteria: Athena Diagnostics Criteria. Collection method: clinical testing. Allele origin: unknown.
Comment: Available data are insufficient to determine the clinical significance of the variant at this time. The frequency of this variant in the general population is uninformative in assessment of its pathogenicity. Computational tools predict that this variant is not damaging.

NM_030962.4(SBF2):c.2947G>A (p.Ala983Thr)

Genes: SBF2 (SET binding factor 2; minus strand), LOC101928008 (uncharacterized LOC101928008; plus strand). Cytogenetic location: 11p15.4.
Variant type: single nucleotide variant.
Coding change: c.2947G>A on transcript NM_030962.4 (MANE Select); coding-DNA position 2947, G replaced by A.
Protein change: p.Ala983Thr; replaces alanine 983 with threonine.
Molecular consequence: missense variant.
Genome position (GRCh38, 1-based): chr11:9,845,728, C>T on the plus strand (G>A on the coding strand, the complement: SBF2 is on the minus strand). VCF-style: chr11-9845728-C-T. GRCh37 (hg19) VCF-style: chr11-9867275-C-T.
Other names: c.2947G>A, p.Ala983Thr (NM_001386339.1); c.2818G>A, p.Ala940Thr (NM_001386342.1); c.2983G>A, p.Ala995Thr (NM_001424318.1, NM_001425069.1, NM_001425070.1); short protein forms A940T, A983T, A995T.
Identifiers: ClinVar variation 2684336 (VCV002684336.3), dbSNP rs768593018, ClinGen allele CA5881404.